The following is an entry in ClinVar:

ClinVar aggregate classification (germline): Likely pathogenic (1 of 4 stars; one submission).

Conditions:
RNU2-2 related disorder.

gnomAD v4.1: 6 of 152,214 alleles (0.0039%); highest among the groups gnomAD compares: Non-Finnish European, 0.0059%; no homozygotes.

Submission:

Institute for Human Genetics, University Hospital Essen
Classification: Likely pathogenic for RNU2-2 related disorder. Last evaluated: 2025-11-27. Review status: criteria provided, single submitter. Criteria: Submitter's publication. Collection method: clinical testing. Allele origin: inherited. Inheritance: Autosomal recessive inheritance. Affected: yes. Observed: 6 variant alleles, 6 compound heterozygotes.
Comment: PS4_mod, PM1, PM3, PP1 (criteria rationale detailed in Leitão et al. Nature Genetics 2026)

NR_199791.1(RNU2-2):n.100T>C

Genes: RNU2-2 (RNA, U2 small nuclear 2; minus strand), WDR74 (WD repeat domain 74; minus strand). Cytogenetic location: 11q12.3.
Variant type: single nucleotide variant.
Molecular consequence: non-coding transcript variant (on NR_199791.1). On other transcripts: 5 prime UTR variant (1).
Genome position: GRCh38 VCF-style: chr11-62841710-A-G. GRCh37 (hg19) VCF-style: chr11-62609182-A-G.
Other names: c.-439T>C (NM_001369451.1).
Identifiers: ClinVar variation 4540499 (VCV004540499.1).